The following is an entry in ClinVar:

ClinVar aggregate classification (germline): Uncertain significance (1 of 4 stars; one submission).

Conditions:
Charcot-Marie-Tooth disease type 2. Also called: Charcot-Marie-Tooth type 2. Identifiers: Orphanet 64746, MedGen C0270914, MONDO:0018993.

Submission:

Labcorp Genetics (formerly Invitae), Labcorp
Classification: Uncertain significance for Charcot-Marie-Tooth disease type 2. Last evaluated: 2020-02-09. Review status: criteria provided, single submitter. Criteria: Invitae Variant Classification Sherloc (09022015). Collection method: clinical testing. Allele origin: germline.
Comment: In summary, the available evidence is currently insufficient to determine the role of this variant in disease. Therefore, it has been classified as a Variant of Uncertain Significance. Algorithms developed to predict the effect of missense changes on protein structure and function are either unavailable or do not agree on the potential impact of this missense change (SIFT: "Deleterious"; PolyPhen-2: "Possibly Damaging"; Align-GVGD: "Class C0"). This sequence change replaces leucine with phenylalanine at codon 223 of the BSCL2 protein (p.Leu223Phe). The leucine residue is highly conserved and there is a small physicochemical difference between leucine and phenylalanine. This variant is not present in population databases (ExAC no frequency). This variant has been observed in individual(s) with clinical features of Charcot-Marie-Tooth disease (Invitae). It has also been observed to segregate with disease in related individuals.

NM_001122955.4(BSCL2):c.859C>T (p.Leu287Phe)

Genes: BSCL2 (BSCL2 lipid droplet biogenesis associated, seipin; minus strand), HNRNPUL2-BSCL2 (HNRNPUL2-BSCL2 readthrough (NMD candidate); minus strand). Cytogenetic location: 11q12.3.
Variant type: single nucleotide variant.
Coding change: c.859C>T on transcript NM_001122955.4 (MANE Select); coding-DNA position 859, C replaced by T.
Protein change: p.Leu287Phe; replaces leucine 287 with phenylalanine.
Molecular consequence: missense variant. On other transcripts: non-coding transcript variant (1).
Genome position (GRCh38, 1-based): chr11:62,692,380, G>A on the plus strand (C>T on the coding strand, the complement: BSCL2 is on the minus strand). VCF-style: chr11-62692380-G-A. GRCh37 (hg19) VCF-style: chr11-62459852-G-A.
Other names: c.667C>T, p.Leu223Phe (NM_001130702.2, NM_032667.6); c.859C>T, p.Leu287Phe (NM_001386027.1, NM_001386028.1); short protein forms L287F, L223F.
Identifiers: ClinVar variation 849353 (VCV000849353.10), dbSNP rs1945335146, ClinGen allele CA380961914.